The following is an entry in ClinVar:

ClinVar aggregate classification (germline): Likely benign (1 of 4 stars; one submission).

Conditions:
Chondrodysplasia with joint dislocations, gPAPP type. Also called: GPAPP DEFICIENCY. Identifiers: Orphanet 280586, MedGen C3279757, MONDO:0013561, OMIM 614078.

Allele frequency attached by ClinVar (database versions not stated): 1000 Genomes Project 0.00439; 1000 Genomes Project 30x 0.00484; gnomAD 0.00489 and 0.00530; TOPMed 0.00551.

Submission:

Illumina Laboratory Services, Illumina
Classification: Likely benign for Chondrodysplasia with joint dislocations, gPAPP type. Last evaluated: 2018-01-13. Review status: criteria provided, single submitter. Criteria: ICSL Variant Classification Criteria 13 December 2019. Collection method: clinical testing. Allele origin: germline.
Comment: This variant was observed in the ICSL laboratory as part of a predisposition screen in an ostensibly healthy population. It had not been previously curated by ICSL or reported in the Human Gene Mutation Database (HGMD: prior to June 1st, 2018), and was therefore a candidate for classification through an automated scoring system. Utilizing variant allele frequency, disease prevalence and penetrance estimates, and inheritance mode, an automated score was calculated to assess if this variant is too frequent to cause the disease. Based on the score and internal cut-off values, a variant classified as likely benign is not then subjected to further curation. The score for this variant resulted in a classification of likely benign for this disease.

NM_017813.5(BPNT2):c.*5634A>G

Gene: BPNT2 (3'(2'), 5'-bisphosphate nucleotidase 2; minus strand). Cytogenetic location: 8q12.1.
Variant type: single nucleotide variant.
Coding change: c.*5634A>G on transcript NM_017813.5 (MANE Select); 5634 bases downstream of the stop codon, A replaced by G.
Molecular consequence: 3 prime UTR variant.
Genome position (GRCh38, 1-based): chr8:56,958,159, T>C on the plus strand (A>G on the coding strand, the complement: BPNT2 is on the minus strand). VCF-style: chr8-56958159-T-C. GRCh37 (hg19) VCF-style: chr8-57870718-T-C.
Identifiers: ClinVar variation 363325 (VCV000363325.5), dbSNP rs111509692, ClinGen allele CA10625600.